The following is an entry in ClinVar:

ClinVar aggregate classification (germline): Benign. Review status: criteria provided, single submitter (1 of 4 stars). 2 submissions from 2 submitters: Benign (1). 1 of the submissions does not count toward it. Last evaluated 2023-04-25.

Conditions:
PCGF2-related disorder. Also called: PCGF2-related condition.

Allele frequency attached by ClinVar (database versions not stated): ESP Exome Variant Server 0.00008; ExAC 0.00018; gnomAD 0.00019; TOPMed 0.00059.
gnomAD v4.1: 103 of 1,396,522 alleles (0.0074%); highest among the groups gnomAD compares: Admixed American, 0.3%; no homozygotes.

Submissions (2):

Blueprint Genetics
Classification: Benign. Last evaluated: 2023-04-25. Review status: criteria provided, single submitter. Criteria: ACMG Guidelines, 2015. Collection method: clinical testing. Allele origin: germline.

PreventionGenetics, part of Exact Sciences
Classification: Likely benign for PCGF2-related condition. Last evaluated: 2019-12-23. Review status: no assertion criteria provided. Collection method: clinical testing. Allele origin: germline. Not counted in ClinVar's aggregate classification.
Comment: This variant is classified as likely benign based on ACMG/AMP sequence variant interpretation guidelines (Richards et al. 2015 PMID: 25741868, with internal and published modifications).

NM_007144.3(PCGF2):c.*9A>T

Genes: CISD3 (CDGSH iron sulfur domain 3; plus strand), PCGF2 (polycomb group ring finger 2; minus strand). Cytogenetic location: 17q12.
Variant type: single nucleotide variant.
Coding change: c.*9A>T on transcript NM_007144.3 (MANE Select); 9 bases downstream of the stop codon, A replaced by T.
Molecular consequence: 3 prime UTR variant.
Genome position (GRCh38, 1-based): chr17:38,735,214, T>A on the plus strand (A>T on the coding strand, the complement: PCGF2 is on the minus strand). VCF-style: chr17-38735214-T-A. GRCh37 (hg19) VCF-style: chr17-36891467-T-A.
Other names: c.*1759T>A (NM_001136498.2); c.*9A>T (NM_001369614.1, NM_001369615.1).
Identifiers: ClinVar variation 3048124 (VCV003048124.3), dbSNP rs377749543, ClinGen allele CA8524833.